The following is an entry in ClinVar:

NM_000482.4(APOA4):c.827G>A (p.Gly276Asp)

Gene: APOA4 (apolipoprotein A4; minus strand). Cytogenetic location: 11q23.3.
Variant type: single nucleotide variant.
Coding change: c.827G>A on transcript NM_000482.4 (MANE Select); coding-DNA position 827, G replaced by A.
Protein change: p.Gly276Asp; replaces glycine 276 with aspartic acid.
Molecular consequence: missense variant.
Genome position (GRCh38, 1-based): chr11:116,821,231, C>T on the plus strand (G>A on the coding strand, the complement: APOA4 is on the minus strand). VCF-style: chr11-116821231-C-T. GRCh37 (hg19) VCF-style: chr11-116691947-C-T.
Other names: short protein forms G276D.
Identifiers: ClinVar variation 2813716 (VCV002813716.3), dbSNP rs1941316695, ClinGen allele CA382700134.

ClinVar aggregate classification (germline): Uncertain significance (1 of 4 stars; one submission).

Submission:

Labcorp Genetics (formerly Invitae), Labcorp
Classification: Uncertain significance. Last evaluated: 2022-11-12. Review status: criteria provided, single submitter. Criteria: Invitae Variant Classification Sherloc (09022015). Collection method: clinical testing. Allele origin: germline.
Comment: This sequence change replaces glycine, which is neutral and non-polar, with aspartic acid, which is acidic and polar, at codon 276 of the APOA4 protein (p.Gly276Asp). This variant is not present in population databases (gnomAD no frequency). This variant has not been reported in the literature in individuals affected with APOA4-related conditions. Advanced modeling of protein sequence and biophysical properties (such as structural, functional, and spatial information, amino acid conservation, physicochemical variation, residue mobility, and thermodynamic stability) performed at Invitae indicates that this missense variant is not expected to disrupt APOA4 protein function. In summary, the available evidence is currently insufficient to determine the role of this variant in disease. Therefore, it has been classified as a Variant of Uncertain Significance.